The following is an entry in ClinVar:

ClinVar aggregate classification (germline): Conflicting classifications of pathogenicity. Review status: criteria provided, conflicting classifications (1 of 4 stars). 2 submissions from 2 submitters: Uncertain significance (1); Likely benign (1). Last evaluated 2023-03-23.

Conditions:
Hereditary cancer-predisposing syndrome. Also called: Hereditary Cancer Syndrome; Tumor predisposition; Neoplastic Syndromes, Hereditary; Hereditary neoplastic syndrome. Identifiers: Orphanet 140162, MedGen C0027672, MeSH D009386, MONDO:0015356.

Submissions (2):

University of Washington Department of Laboratory Medicine, University of Washington
Classification: Likely benign for Hereditary cancer-predisposing syndrome. Last evaluated: 2023-03-23. Review status: criteria provided, single submitter. Criteria: Dines et al. (Genet Med. 2020). Collection method: curation. Allele origin: germline.
Comment: Missense variant in a coldspot region where missense variants are very unlikely to be pathogenic (PMID:31911673).

BRCA1 coldspot (exon 11 using historical exon numbering). Reclassification based on statistical prior probability

Quest Diagnostics Nichols Institute San Juan Capistrano
Classification: Uncertain significance. Last evaluated: 2021-01-18. Review status: criteria provided, single submitter. Criteria: Quest Diagnostics criteria. Collection method: clinical testing. Allele origin: unknown.

NM_007294.4(BRCA1):c.2161T>C (p.Phe721Leu)

Gene: BRCA1 (BRCA1 DNA repair associated; minus strand). Cytogenetic location: 17q21.31.
Variant type: single nucleotide variant.
Coding change: c.2161T>C on transcript NM_007294.4 (MANE Select); coding-DNA position 2161, T replaced by C.
Protein change: p.Phe721Leu; replaces phenylalanine 721 with leucine.
Molecular consequence: missense variant. On other transcripts: intron variant (137).
Genome position (GRCh38, 1-based): chr17:43,093,370, A>G on the plus strand (T>C on the coding strand, the complement: BRCA1 is on the minus strand). VCF-style: chr17-43093370-A-G. GRCh37 (hg19) VCF-style: chr17-41245387-A-G.
Other names: c.787+1374T>C (NM_007299.4, NM_001407974.1, NM_001407973.1 and 17 more transcripts); c.788-1231T>C (NM_001407969.1, NM_001407968.1); c.577+1374T>C (NM_001408492.1, NM_001408513.1, NM_001408489.1 and 9 more transcripts); c.643+1374T>C (NM_001408468.1, NM_001408462.1, NM_001408470.1 and 3 more transcripts); c.523+1374T>C (NM_001408501.1, NM_001408500.1, NM_001408497.1 and 3 more transcripts); c.646+1374T>C (NM_001408455.1, NM_001408466.1, NM_001408452.1 and 11 more transcripts); c.520+1374T>C (NM_001408503.1, NM_001408505.1, NM_001408504.1); c.404-2338T>C (NM_001408511.1); and 41 more; short protein forms F674L, F721L, F553L, F651L, F673L, F609L, F720L, F594L.
Identifiers: ClinVar variation 1330065 (VCV001330065.4), dbSNP rs2154396226, ClinGen allele CA10597683.
Genomic context (GRCh38, chr17:43,093,370, plus strand): 5'-ACACTTTAACTGTTTCTAGTTTCTCTTCTTTTTCTTCTCTTGGAAGGCTAGGATTGACAA[A>G]TTCTTTAAGTTCACTGGTATTTGAACACTTAGTAAAAGAACCAGGTGCATTTGTTAACTT-3'
Protein context (NP_009225.1, residues 711-731): KCSNTSELKE[Phe721Leu]VNPSLPREEK